The following is an entry in ClinVar:

ClinVar aggregate classification (germline): Uncertain significance (1 of 4 stars; one submission).

Allele frequency attached by ClinVar (database versions not stated): gnomAD 0.00001; TOPMed 0.00001.
gnomAD v4.1: 11 of 1,613,202 alleles (0.00068%); highest among the groups gnomAD compares: African/African-American, 0.0027%; no homozygotes.

Submission:

Labcorp Genetics (formerly Invitae), Labcorp
Classification: Uncertain significance. Last evaluated: 2022-04-03. Review status: criteria provided, single submitter. Criteria: Invitae Variant Classification Sherloc (09022015). Collection method: clinical testing. Allele origin: germline.
Comment: This sequence change falls in intron 9 of the MMP9 gene. It does not directly change the encoded amino acid sequence of the MMP9 protein. The frequency data for this variant in the population databases is considered unreliable, as metrics indicate poor data quality at this position in the gnomAD database. This variant has not been reported in the literature in individuals affected with MMP9-related conditions. Algorithms developed to predict the effect of sequence changes on RNA splicing suggest that this variant may create or strengthen a splice site. In summary, the available evidence is currently insufficient to determine the role of this variant in disease. Therefore, it has been classified as a Variant of Uncertain Significance.

NM_004994.3(MMP9):c.1610+10C>T

Genes: MMP9 (matrix metallopeptidase 9; plus strand), SLC12A5-AS1 (SLC12A5 and MMP9 antisense RNA 1; minus strand). Cytogenetic location: 20q13.12.
Variant type: single nucleotide variant.
Coding change: c.1610+10C>T on transcript NM_004994.3 (MANE Select); 10 bases into the intron after coding-DNA position 1610, C replaced by T.
Molecular consequence: intron variant. On other transcripts: non-coding transcript variant (1).
Genome position (GRCh38, 1-based): chr20:46,013,544, C>T. VCF-style: chr20-46013544-C-T. GRCh37 (hg19) VCF-style: chr20-44642183-C-T.
Identifiers: ClinVar variation 2421053 (VCV002421053.6), dbSNP rs1158709391, ClinGen allele CA510646217.